The following is an entry in ClinVar:

NM_017565.4(FAM20A):c.263C>G (p.Ser88Trp)

Gene: FAM20A (FAM20A golgi associated secretory pathway pseudokinase; minus strand). Cytogenetic location: 17q24.2.
Variant type: single nucleotide variant.
Coding change: c.263C>G on transcript NM_017565.4 (MANE Select); coding-DNA position 263, C replaced by G.
Protein change: p.Ser88Trp; replaces serine 88 with tryptophan.
Molecular consequence: missense variant. On other transcripts: 5 prime UTR variant (1).
Genome position (GRCh38, 1-based): chr17:68,600,404, G>C on the plus strand (C>G on the coding strand, the complement: FAM20A is on the minus strand). VCF-style: chr17-68600404-G-C. GRCh37 (hg19) VCF-style: chr17-66596545-G-C.
Other names: c.-378C>G (NM_001243746.2); short protein forms S88W.
Identifiers: ClinVar variation 4085362 (VCV004085362.8).

ClinVar aggregate classification (germline): Uncertain significance (1 of 4 stars; one submission).

gnomAD v4.1: 1 of 1,609,472 alleles (0.000062%); highest among the groups gnomAD compares: South Asian, 0.0011%; no homozygotes.

Submission:

CeGaT Center for Human Genetics Tuebingen
Classification: Uncertain significance. Last evaluated: 2025-07-01. Review status: criteria provided, single submitter. Criteria: CeGaT Center For Human Genetics Tuebingen Variant Classification Criteria Version 2. Collection method: clinical testing. Allele origin: germline. Affected: yes. Observed: 1 variant allele.
Comment: FAM20A: PM2